The following is an entry in ClinVar:

ClinVar aggregate classification (germline): Benign/Likely benign. Review status: criteria provided, multiple submitters, no conflicts (2 of 4 stars). 11 submissions from 11 submitters: Benign (9); Likely benign (1). 1 of the submissions does not count toward it. Last evaluated 2026-01-19.

Conditions:
Hermansky-Pudlak syndrome (HPS). Also called: ALBINISM WITH HEMORRHAGIC DIATHESIS AND PIGMENTED RETICULOENDOTHELIAL CELLS. Identifiers: Orphanet 79430, MedGen C0079504, MONDO:0019312.
Hermansky-Pudlak syndrome 1 (HPS1). Also called: DELTA STORAGE POOL DISEASE. Identifiers: Orphanet 231500, Orphanet 79430, MedGen C2931875, MONDO:0008748, OMIM 203300.

Allele frequency attached by ClinVar (database versions not stated): gnomAD 0.21839 and 0.20947; gnomAD exomes 0.24715 and 0.26408; 1000 Genomes Project 30x 0.24781; 1000 Genomes Project 0.25579; ESP Exome Variant Server 0.17138; TOPMed 0.21436.
gnomAD v4.1: 392,838 of 1,605,454 alleles (24%); highest among the groups gnomAD compares: South Asian, 40%; 51,118 homozygotes.

Submissions (11):

Labcorp Genetics (formerly Invitae), Labcorp
Classification: Benign. Last evaluated: 2026-01-19. Review status: criteria provided, single submitter. Criteria: Invitae Variant Classification Sherloc (09022015). Collection method: clinical testing. Allele origin: germline.

Blueprint Genetics
Classification: Likely benign. Last evaluated: 2024-11-27. Review status: criteria provided, single submitter. Criteria: ACMG Guidelines, 2015. Collection method: clinical testing. Allele origin: germline.

Mayo Clinic Laboratories, Mayo Clinic
Classification: Benign. Last evaluated: 2022-09-29. Review status: criteria provided, single submitter. Criteria: ACMG Guidelines, 2015. Collection method: clinical testing. Allele origin: germline. Observed: 246 variant alleles.

Genome-Nilou Lab
Classification: Benign for Hermansky-Pudlak syndrome 1. Last evaluated: 2021-08-10. Review status: criteria provided, single submitter. Criteria: ACMG Guidelines, 2015. Collection method: clinical testing. Allele origin: germline. Affected: no.

GeneDx
Classification: Benign. Last evaluated: 2018-11-27. Review status: criteria provided, single submitter. Criteria: GeneDx Variant Classification Process June 2021. Collection method: clinical testing. Allele origin: germline. Affected: yes.

Illumina Laboratory Services, Illumina
Classification: Benign for Hermansky-Pudlak syndrome 1. Last evaluated: 2018-01-13. Review status: criteria provided, single submitter. Criteria: ICSL Variant Classification Criteria 13 December 2019. Collection method: clinical testing. Allele origin: germline.
Comment: This variant was observed in the ICSL laboratory as part of a predisposition screen in an ostensibly healthy population. It had not been previously curated by ICSL or reported in the Human Gene Mutation Database (HGMD: prior to June 1st, 2018), and was therefore a candidate for classification through an automated scoring system. Utilizing variant allele frequency, disease prevalence and penetrance estimates, and inheritance mode, an automated score was calculated to assess if this variant is too frequent to cause the disease. Based on the score and internal cut-off values, a variant classified as benign is not then subjected to further curation. The score for this variant resulted in a classification of benign for this disease.

Eurofins Ntd Llc (ga)
Classification: Benign. Last evaluated: 2014-02-26. Review status: criteria provided, single submitter. Criteria: EGL Classification Definitions 2015. Collection method: clinical testing. Allele origin: germline. Observed: 1 variant allele, 1 heterozygote.

Laboratory for Molecular Medicine, Mass General Brigham Personalized Medicine
Classification: Benign. Last evaluated: 2013-02-21. Review status: criteria provided, single submitter. Criteria: LMM Criteria. Collection method: clinical testing. Allele origin: germline. Observed: 26 variant alleles.
Comment: 1397+7G>C in intron 14 of HPS1: This variant is not expected to have clinical si gnificance because it is not located within the conserved splice consensus seque nce. It has been identified in 20.5% (1763/8600) of European American chromosome s from a broad population by the NHLBI Exome Sequencing Project (dbSNP rs2296432).

Breakthrough Genomics
Classification: Benign. Review status: criteria provided, single submitter. Criteria: ACMG Guidelines, 2015. Collection method: not provided. Allele origin: germline. Inheritance: Autosomal recessive inheritance. Affected: yes.

PreventionGenetics, part of Exact Sciences
Classification: Benign. Review status: criteria provided, single submitter. Criteria: ACMG Guidelines, 2015. Collection method: clinical testing. Allele origin: germline.

Natera, Inc.
Classification: Benign for Hermansky-Pudlak syndrome. Last evaluated: 2020-09-16. Review status: no assertion criteria provided. Collection method: clinical testing. Allele origin: germline. Not counted in ClinVar's aggregate classification.

NM_000195.5(HPS1):c.1397+7G>C

Gene: HPS1 (HPS1 biogenesis of lysosomal organelles complex 3 subunit 1; minus strand). Cytogenetic location: 10q24.2.
Variant type: single nucleotide variant.
Coding change: c.1397+7G>C on transcript NM_000195.5 (MANE Select); 7 bases into the intron after coding-DNA position 1397, G replaced by C.
Molecular consequence: intron variant.
Genome position (GRCh38, 1-based): chr10:98,424,306, C>G on the plus strand (G>C on the coding strand, the complement: HPS1 is on the minus strand). VCF-style: chr10-98424306-C-G. GRCh37 (hg19) VCF-style: chr10-100184063-C-G.
Other names: p.?; c.1028+7G>C (NM_001322483.2, NM_001322484.2); c.1136+7G>C (NM_001322480.2, NM_001322481.2); c.1298+7G>C (NM_001322478.2, NM_001322479.2); c.1397+7G>C (NM_001322476.2, NM_001322477.2); c.929+7G>C (NM_001322485.2); c.1037+7G>C (NM_001322482.2); c.425+7G>C (NM_001322489.2, NM_001311345.2, NM_001322487.2).
Identifiers: ClinVar variation 163665 (VCV000163665.28), dbSNP rs2296432, ClinGen allele CA176289.